The following is an entry in ClinVar:

NM_000535.7(PMS2):c.1410T>A (p.Pro470=)

Gene: PMS2 (PMS1 homolog 2, mismatch repair system component; minus strand). Cytogenetic location: 7p22.1.
Variant type: single nucleotide variant.
Coding change: c.1410T>A on transcript NM_000535.7 (MANE Select); coding-DNA position 1410, T replaced by A.
Protein change: p.Pro470=; no amino-acid change (proline 470 retained).
Molecular consequence: synonymous variant. On other transcripts: non-coding transcript variant (1), intron variant (1).
Genome position (GRCh38, 1-based): chr7:5,987,355, A>T on the plus strand (T>A on the coding strand, the complement: PMS2 is on the minus strand). VCF-style: chr7-5987355-A-T. GRCh37 (hg19) VCF-style: chr7-6026986-A-T.
Other names: c.1005T>A, p.Pro335= (NM_001018040.1, NM_001322003.2, NM_001322004.2 and 17 more transcripts); c.1254T>A, p.Pro418= (NM_001322006.2, NM_001406870.1); c.1092T>A, p.Pro364= (NM_001322007.2, NM_001322008.2, NM_001406876.1 and 2 more transcripts); c.849T>A, p.Pro283= (NM_001322010.2, NM_001406906.1, NM_001406907.1); c.477T>A, p.Pro159= (NM_001322011.2, NM_001322012.2); c.837T>A, p.Pro279= (NM_001322013.2, NM_001406909.1); c.1410T>A, p.Pro470= (NM_001322014.2, NM_001406871.1, NM_001406872.1); c.1101T>A, p.Pro367= (NM_001322015.2, NM_001406875.1, NM_001406877.1 and 5 more transcripts); and 13 more.
Identifiers: ClinVar variation 1692456 (VCV001692456.2), dbSNP rs2128731303, ClinGen allele CA453746572.

ClinVar aggregate classification (germline): Benign/Likely benign. Review status: criteria provided, multiple submitters, no conflicts (2 of 4 stars). 2 submissions from 2 submitters: Benign (1); Likely benign (1). Last evaluated 2025-01-30.

Conditions:
Hereditary cancer-predisposing syndrome. Also called: Hereditary Cancer Syndrome; Hereditary neoplastic syndrome; Neoplastic Syndromes, Hereditary; Tumor predisposition. Identifiers: Orphanet 140162, MedGen C0027672, MeSH D009386, MONDO:0015356.
Lynch syndrome 4 (LYNCH4). Also called: Hereditary non-polyposis colorectal cancer, type 4; Colorectal cancer, hereditary nonpolyposis, type 4. Identifiers: Orphanet 144, MedGen C1838333, MONDO:0013699, OMIM 614337. Disease mechanism: loss of function.

Submissions (2):

Myriad Genetics, Inc.
Classification: Benign for Lynch syndrome 4. Last evaluated: 2025-01-30. Review status: criteria provided, single submitter. Criteria: Myriad Autosomal Dominant, Autosomal Recessive and X-Linked Classification Criteria (2023). Collection method: clinical testing. Allele origin: unknown.
Comment: This variant is considered benign. This variant is a silent/synonymous amino acid change and it is not expected to impact splicing.

Sema4
Classification: Likely benign for Hereditary cancer-predisposing syndrome. Last evaluated: 2022-01-22. Review status: criteria provided, single submitter. Criteria: Sema4 Curation Guidelines. Collection method: curation. Allele origin: germline.